The following is an entry in ClinVar:

ClinVar aggregate classification (germline): Pathogenic (1 of 4 stars; one submission).

Conditions:
Rubinstein-Taybi syndrome due to CREBBP mutations (RSTS1). Also called: BROAD THUMBS AND GREAT TOES, CHARACTERISTIC FACIES, AND IMPAIRED INTELLECTUAL DEVELOPMENT; RUBINSTEIN SYNDROME; BROAD THUMB-HALLUX SYNDROME; RUBINSTEIN-TAYBI SYNDROME 1, INCOMPLETE; Rubinstein-Taybi syndrome 1; CREBBP-Related Rubinstein-Taybi Syndrome. Identifiers: Orphanet 353277, Orphanet 783, MedGen C4551859, MONDO:0008393, OMIM 180849.

Submission:

Victorian Clinical Genetics Services, Murdoch Childrens Research Institute
Classification: Pathogenic for Rubinstein-Taybi syndrome due to CREBBP mutations. Last evaluated: 2022-02-02. Review status: criteria provided, single submitter. Criteria: ACMG Guidelines, 2015. Collection method: clinical testing. Allele origin: germline. Inheritance: Autosomal dominant inheritance. Affected: yes.
Comment: Based on the classification scheme VCGS_Germline_v1.3.4, this variant is classified as Pathogenic. Following criteria are met: 0102 - Loss of function is a known mechanism of disease in this gene and is associated with CREBBP-related conditions. (I) 0107 - This gene is associated with autosomal dominant disease. (I) 0201 - Variant is predicted to cause nonsense-mediated decay (NMD) and loss of protein (premature termination codon is located at least 54 nucleotides upstream of the final exon-exon junction). (SP) 0254 - This variant is confirmed mosaic. (I) 0301 - Variant is absent from gnomAD (both v2 and v3). (SP) 0701 - Other NMD predicted variants comparable to the one identified in this case have very strong previous evidence for pathogenicity (DECIPHER). (SP) 0807 - This variant has no previous evidence of pathogenicity. (I) 0905 - No published segregation evidence has been identified for this variant. (I) 1007 - No published functional evidence has been identified for this variant. (I) 1208 - Inheritance information for this variant is not currently available in this individual. (I) Legend: (SP) - Supporting pathogenic, (I) - Information, (SB) - Supporting benign

NM_004380.3(CREBBP):c.4251C>G (p.Tyr1417Ter)

Gene: CREBBP (CREB binding lysine acetyltransferase; minus strand). Cytogenetic location: 16p13.3.
Variant type: single nucleotide variant.
Coding change: c.4251C>G on transcript NM_004380.3 (MANE Select); coding-DNA position 4251, C replaced by G.
Protein change: p.Tyr1417Ter; replaces tyrosine 1417 with a stop codon.
Molecular consequence: nonsense.
Genome position (GRCh38, 1-based): chr16:3,739,607, G>C on the plus strand (C>G on the coding strand, the complement: CREBBP is on the minus strand). VCF-style: chr16-3739607-G-C. GRCh37 (hg19) VCF-style: chr16-3789608-G-C.
Other names: c.4137C>G, p.Tyr1379Ter (NM_001079846.1); short protein forms Y1379*, Y1417*.
Identifiers: ClinVar variation 1805228 (VCV001805228.2), dbSNP rs61731412, ClinGen allele CA394564738.